The following is an entry in ClinVar:

NM_000543.5(SMPD1):c.1227G>A (p.Val409=)

Gene: SMPD1 (sphingomyelin phosphodiesterase 1; plus strand). Cytogenetic location: 11p15.4.
Variant type: single nucleotide variant.
Coding change: c.1227G>A on transcript NM_000543.5 (MANE Select); coding-DNA position 1227, G replaced by A.
Protein change: p.Val409=; no amino-acid change (valine 409 retained).
Molecular consequence: synonymous variant. On other transcripts: non-coding transcript variant (1), intron variant (1).
Genome position (GRCh38, 1-based): chr11:6,393,351, G>A. VCF-style: chr11-6393351-G-A. GRCh37 (hg19) VCF-style: chr11-6414581-G-A.
Other names: c.1224G>A, p.Val408= (NM_001007593.3); c.1227G>A, p.Val409= (NM_001318087.2); c.306G>A, p.Val102= (NM_001318088.2); c.1132-266G>A (NM_001365135.2); c.1227G>A (NM_000543.4).
Identifiers: ClinVar variation 1110926 (VCV001110926.10), dbSNP rs768283171, ClinGen allele CA5852815.

ClinVar aggregate classification (germline): Conflicting classifications of pathogenicity. Review status: criteria provided, conflicting classifications (1 of 4 stars). 2 submissions from 2 submitters: Uncertain significance (1); Likely benign (1). Last evaluated 2026-06-10.

Conditions:
SMPD1-related disorder. Also called: SMPD1-related condition.
Niemann-Pick disease, type B. Also called: Chronic Visceral ASMD (Niemann-Pick Disease Type B; NPD-B). Identifiers: Orphanet 77293, MedGen C0268243, MONDO:0011871, OMIM 607616. Disease mechanism: loss of function.
Niemann-Pick disease, type A. Also called: Infantile Neurovisceral ASMD (Niemann-Pick Disease Type A; NPD-A); SPHINGOMYELIN LIPIDOSIS; SPHINGOMYELINASE DEFICIENCY. Identifiers: Orphanet 77292, MedGen C0268242, MONDO:0009756, OMIM 257200. Disease mechanism: loss of function.

gnomAD v4.1: 17 of 1,613,790 alleles (0.0011%); highest among the groups gnomAD compares: Middle Eastern, 0.049%; no homozygotes.

Submissions (2):

PreventionGenetics, part of Exact Sciences
Classification: Uncertain significance for SMPD1-related condition. Last evaluated: 2026-06-10. Review status: criteria provided, single submitter. Criteria: ACMG Guidelines, 2015. Collection method: clinical testing. Allele origin: germline.
Comment: The SMPD1 c.1227G>A variant is not predicted to result in an amino acid change (p.=). This variant is predicted to impact splicing based on available splicing prediction programs (SpliceAI, Jaganathan et al. 2019. PubMed ID: 30661751). However, the use of computer prediction programs is not equivalent to functional evidence. To our knowledge, this variant has not been reported in the literature. This variant is reported in 0.021% of alleles in individuals of African descent in gnomAD. At this time, the clinical significance of this variant is uncertain due to the absence of conclusive functional and genetic evidence.

Labcorp Genetics (formerly Invitae), Labcorp
Classification: Likely benign for Niemann-Pick disease, type B; Niemann-Pick disease, type A. Last evaluated: 2024-02-12. Review status: criteria provided, single submitter. Criteria: Invitae Variant Classification Sherloc (09022015). Collection method: clinical testing. Allele origin: germline.